The following is an entry in ClinVar:

NM_001127671.2(LIFR):c.1122-1G>A

Gene: LIFR (LIF receptor subunit alpha; minus strand). Cytogenetic location: 5p13.1.
Variant type: single nucleotide variant.
Coding change: c.1122-1G>A on transcript NM_001127671.2 (MANE Select); the canonical splice acceptor site of the intron before coding-DNA position 1122, G replaced by A.
Molecular consequence: splice acceptor variant.
Genome position (GRCh38, 1-based): chr5:38,506,075, C>T on the plus strand (G>A on the coding strand, the complement: LIFR is on the minus strand). VCF-style: chr5-38506075-C-T. GRCh37 (hg19) VCF-style: chr5-38506177-C-T.
Other names: c.1122-1G>A (NM_002310.6, NM_001364298.2, NM_001364297.2).
Identifiers: ClinVar variation 4815010 (VCV004815010.1).

ClinVar aggregate classification (germline): Likely pathogenic (1 of 4 stars; one submission).

Conditions:
Stuve-Wiedemann syndrome (STWS). Also called: Stüve-Wiedemann syndrome. Identifiers: Orphanet 3206, MedGen C0796176, MONDO:0031280.

Submission:

Natera, Inc.
Classification: Likely pathogenic for Stuve-Wiedemann syndrome. Last evaluated: 2025-12-03. Review status: criteria provided, single submitter. Criteria: Natera Variant Classification Schema (03/2026). Collection method: clinical testing. Allele origin: germline.
Comment: The c.1122-1G>A variant in LIFR is a canonical splice acceptor site variant predicted to affect pre-mRNA splicing, which may result in an abnormal transcript and altered protein product. This variant is expected to result in nonsense mediated decay, truncation, or a dysfunctional protein product. This variant is rare in the general population with a frequency below the threshold expected for the associated phenotype(s). Given the available evidence, this variant is classified as Likely Pathogenic.